The following is an entry in ClinVar:

ClinVar aggregate classification (germline): Uncertain significance (1 of 4 stars; one submission).

Conditions:
Familial thoracic aortic aneurysm and aortic dissection (TAAD). Also called: Thoracic aortic aneurysms and dissections. Identifiers: Orphanet 91387, MedGen C4707243, MONDO:0019625.

Submission:

Ambry Genetics
Classification: Uncertain significance for Familial thoracic aortic aneurysm and aortic dissection. Last evaluated: 2025-05-26. Review status: criteria provided, single submitter. Criteria: Ambry Variant Classification Scheme 2023. Collection method: clinical testing. Allele origin: germline.
Comment: The p.A67G variant (also known as c.200C>G), located in coding exon 1 of the SKI gene, results from a C to G substitution at nucleotide position 200. The alanine at codon 67 is replaced by glycine, an amino acid with similar properties. This amino acid position is conserved. In addition, this alteration is predicted to be tolerated by in silico analysis. Based on the available evidence, the clinical significance of this variant remains unclear.

NM_003036.4(SKI):c.200C>G (p.Ala67Gly)

Gene: SKI (SKI proto-oncogene; plus strand). Cytogenetic location: 1p36.33.
Variant type: single nucleotide variant.
Coding change: c.200C>G on transcript NM_003036.4 (MANE Select); coding-DNA position 200, C replaced by G.
Protein change: p.Ala67Gly; replaces alanine 67 with glycine.
Molecular consequence: missense variant.
Genome position (GRCh38, 1-based): chr1:2,228,966, C>G. VCF-style: chr1-2228966-C-G. GRCh37 (hg19) VCF-style: chr1-2160405-C-G.
Other names: short protein forms A67G.
Identifiers: ClinVar variation 3954893 (VCV003954893.1).